The following is an entry in ClinVar:

ClinVar aggregate classification (germline): Likely pathogenic (1 of 4 stars; one submission).

Conditions:
Developmental and epileptic encephalopathy, 27 (DEE27). Also called: Epileptic encephalopathy, early infantile, 27; GRIN2B-Related Neurodevelopmental Disorder. Identifiers: Orphanet 3451, MedGen C4015316, MONDO:0014505, OMIM 616139.
Intellectual developmental disorder, autosomal dominant 6, with or without seizures. Also called: Intellectual disability, autosomal dominant 6; GRIN2B-related developmental delay, intellectual disability and autism spectrum disorder. Identifiers: Orphanet 589547, MedGen C3151411, MONDO:0013509, OMIM 613970.

gnomAD v4.1: 2 of 1,613,906 alleles (0.00012%); highest among the groups gnomAD compares: Non-Finnish European, 0.00017%; no homozygotes.

Submission:

Labcorp Genetics (formerly Invitae), Labcorp
Classification: Likely pathogenic for Developmental and epileptic encephalopathy, 27; Intellectual developmental disorder, autosomal dominant 6, with or without seizures. Last evaluated: 2024-11-28. Review status: criteria provided, single submitter. Criteria: Invitae Variant Classification Sherloc (09022015). Collection method: clinical testing. Allele origin: germline.
Comment: This sequence change replaces valine, which is neutral and non-polar, with isoleucine, which is neutral and non-polar, at codon 618 of the GRIN2B protein (p.Val618Ile). This variant is not present in population databases (gnomAD no frequency). This variant has not been reported in the literature in individuals affected with GRIN2B-related conditions. Invitae Evidence Modeling of protein sequence and biophysical properties (such as structural, functional, and spatial information, amino acid conservation, physicochemical variation, residue mobility, and thermodynamic stability) indicates that this missense variant is expected to disrupt GRIN2B protein function with a positive predictive value of 95%. This variant disrupts the p.Val618 amino acid residue in GRIN2B. Other variant(s) that disrupt this residue have been determined to be pathogenic (PMID: 24272827, 29511171, 31429998). This suggests that this residue is clinically significant, and that variants that disrupt this residue are likely to be disease-causing. In summary, the currently available evidence indicates that the variant is pathogenic, but additional data are needed to prove that conclusively. Therefore, this variant has been classified as Likely Pathogenic.

Literature cited by the submitters: PubMed 24272827; PubMed 29511171; PubMed 31429998.

NM_000834.5(GRIN2B):c.1852G>A (p.Val618Ile)

Gene: GRIN2B (glutamate ionotropic receptor NMDA type subunit 2B; minus strand). Cytogenetic location: 12p13.1.
Variant type: single nucleotide variant.
Coding change: c.1852G>A on transcript NM_000834.5 (MANE Select); coding-DNA position 1852, G replaced by A.
Protein change: p.Val618Ile; replaces valine 618 with isoleucine.
Molecular consequence: missense variant.
Genome position (GRCh38, 1-based): chr12:13,608,761, C>T on the plus strand (G>A on the coding strand, the complement: GRIN2B is on the minus strand). VCF-style: chr12-13608761-C-T. GRCh37 (hg19) VCF-style: chr12-13761695-C-T.
Other names: c.1852G>A, p.Val618Ile (NM_001413992.1); short protein forms V618I.
Identifiers: ClinVar variation 3750678 (VCV003750678.2).
Genomic context (GRCh38, chr12:13,608,761, plus strand): 5'-AGAAGGCCCACACTGACACCATGATCTTGGAGGTGGTCCCCTTTGGGTTCTGCACAGGTA[C>T]GGAGTTGTTAAACACCAGACCCCAGAGCAACCAAATAGCTTTGCCGATGGTGAAAGAGGG-3'
Protein context (NP_000825.2, residues 608-628): LLWGLVFNNS[Val618Ile]PVQNPKGTTS